The following is an entry in ClinVar:

ClinVar aggregate classification (germline): Likely benign. Review status: criteria provided, multiple submitters, no conflicts (2 of 4 stars). 2 submissions from 2 submitters: Likely benign (2). Last evaluated 2026-01-11.

Allele frequency attached by ClinVar (database versions not stated): TOPMed 0.00001.
gnomAD v4.1: 5 of 1,613,966 alleles (0.00031%); highest among the groups gnomAD compares: South Asian, 0.0022%; no homozygotes.

Submissions (2):

Labcorp Genetics (formerly Invitae), Labcorp
Classification: Likely benign. Last evaluated: 2026-01-11. Review status: criteria provided, single submitter. Criteria: Invitae Variant Classification Sherloc (09022015). Collection method: clinical testing. Allele origin: germline.

Laboratory for Molecular Medicine, Mass General Brigham Personalized Medicine
Classification: Likely benign. Last evaluated: 2014-02-18. Review status: criteria provided, single submitter. Criteria: LMM Criteria. Collection method: clinical testing. Allele origin: germline. Observed: 1 variant allele.
Comment: Pro2387Pro in exon 51 of CDH23: This variant is not expected to have clinical si gnificance because it does not alter an amino acid residue and it is not located within the splice consensus sequence.

NM_022124.6(CDH23):c.7161T>C (p.Pro2387=)

Gene: CDH23 (cadherin related 23; plus strand). Cytogenetic location: 10q22.1.
Variant type: single nucleotide variant.
Coding change: c.7161T>C on transcript NM_022124.6 (MANE Select); coding-DNA position 7161, T replaced by C.
Protein change: p.Pro2387=; no amino-acid change (proline 2387 retained).
Molecular consequence: synonymous variant.
Genome position (GRCh38, 1-based): chr10:71,799,217, T>C. VCF-style: chr10-71799217-T-C. GRCh37 (hg19) VCF-style: chr10-73558974-T-C.
Other names: c.441T>C, p.Pro147= (NM_001171933.1, NM_001171934.1).
Identifiers: ClinVar variation 179612 (VCV000179612.11), dbSNP rs727504990, ClinGen allele CA184781.